The following is an entry in ClinVar:

ClinVar aggregate classification (germline): Uncertain significance (1 of 4 stars; one submission).

gnomAD v4.1: 2 of 1,613,850 alleles (0.00012%); highest among the groups gnomAD compares: African/African-American, 0.0013%; no homozygotes.

Submission:

Labcorp Genetics (formerly Invitae), Labcorp
Classification: Uncertain significance. Last evaluated: 2025-11-27. Review status: criteria provided, single submitter. Criteria: Invitae Variant Classification Sherloc (09022015). Collection method: clinical testing. Allele origin: germline.
Comment: This sequence change replaces aspartic acid, which is acidic and polar, with valine, which is neutral and non-polar, at codon 171 of the SPP2 protein (p.Asp171Val). This variant is present in population databases (rs771966866, gnomAD 0.003%). This variant has not been reported in the literature in individuals affected with SPP2-related conditions. An algorithm developed to predict the effect of missense changes on protein structure and function (PolyPhen-2) suggests that this variant is likely to be disruptive. In summary, the available evidence is currently insufficient to determine the role of this variant in disease. Therefore, it has been classified as a Variant of Uncertain Significance.

NM_006944.3(SPP2):c.512A>T (p.Asp171Val)

Gene: SPP2 (secreted phosphoprotein 2; plus strand). Cytogenetic location: 2q37.1.
Variant type: single nucleotide variant.
Coding change: c.512A>T on transcript NM_006944.3 (MANE Select); coding-DNA position 512, A replaced by T.
Protein change: p.Asp171Val; replaces aspartic acid 171 with valine.
Molecular consequence: missense variant.
Genome position (GRCh38, 1-based): chr2:234,067,236, A>T. VCF-style: chr2-234067236-A-T. GRCh37 (hg19) VCF-style: chr2-234975880-A-T.
Other names: short protein forms D171V.
Identifiers: ClinVar variation 4774814 (VCV004774814.1).